The following is an entry in ClinVar:

ClinVar aggregate classification (germline): Uncertain significance. Review status: criteria provided, multiple submitters, no conflicts (2 of 4 stars). 2 submissions from 2 submitters: Uncertain significance (2). Last evaluated 2024-08-28.

Conditions:
Inborn genetic diseases. Identifiers: MedGen C0950123, MeSH D030342.
Charcot-Marie-Tooth disease dominant intermediate C (CMTDIC). Also called: CHARCOT-MARIE-TOOTH NEUROPATHY, DOMINANT INTERMEDIATE C. Identifiers: Orphanet 100045, MedGen C1842237, MONDO:0012012, OMIM 608323.

Allele frequency attached by ClinVar (database versions not stated): TOPMed 0.00002.

Submissions (2):

Labcorp Genetics (formerly Invitae), Labcorp
Classification: Uncertain significance for Charcot-Marie-Tooth disease dominant intermediate C. Last evaluated: 2024-08-28. Review status: criteria provided, single submitter. Criteria: Invitae Variant Classification Sherloc (09022015). Collection method: clinical testing. Allele origin: germline.
Comment: This sequence change replaces isoleucine, which is neutral and non-polar, with threonine, which is neutral and polar, at codon 392 of the YARS protein (p.Ile392Thr). This variant is present in population databases (rs749411607, gnomAD 0.003%). This variant has not been reported in the literature in individuals affected with YARS-related conditions. ClinVar contains an entry for this variant (Variation ID: 565768). Invitae Evidence Modeling of protein sequence and biophysical properties (such as structural, functional, and spatial information, amino acid conservation, physicochemical variation, residue mobility, and thermodynamic stability) has been performed for this missense variant. However, the output from this modeling did not meet the statistical confidence thresholds required to predict the impact of this variant on YARS protein function. In summary, the available evidence is currently insufficient to determine the role of this variant in disease. Therefore, it has been classified as a Variant of Uncertain Significance.

Ambry Genetics
Classification: Uncertain significance for Inborn genetic diseases. Last evaluated: 2023-10-17. Review status: criteria provided, single submitter. Criteria: Ambry Variant Classification Scheme 2023. Collection method: clinical testing. Allele origin: germline.

NM_003680.4(YARS1):c.1175T>C (p.Ile392Thr)

Gene: YARS1 (tyrosyl-tRNA synthetase 1; minus strand). Cytogenetic location: 1p35.1.
Variant type: single nucleotide variant.
Coding change: c.1175T>C on transcript NM_003680.4 (MANE Select); coding-DNA position 1175, T replaced by C.
Protein change: p.Ile392Thr; replaces isoleucine 392 with threonine.
Molecular consequence: missense variant.
Genome position (GRCh38, 1-based): chr1:32,780,244, A>G on the plus strand (T>C on the coding strand, the complement: YARS1 is on the minus strand). VCF-style: chr1-32780244-A-G. GRCh37 (hg19) VCF-style: chr1-33245845-A-G.
Other names: short protein forms I392T.
Identifiers: ClinVar variation 565768 (VCV000565768.9), dbSNP rs749411607, ClinGen allele CA744960.
Genomic context (GRCh38, chr1:32,780,244, plus strand): 5'-TTGGGCACGAACTGTACCAGGCCGCTCACCACAGTCCGTGGTTCAGCTTCCCCCACGTCA[A>G]TCTTCTCTACATACAGGCTGTCTGCATCTGGGTGCTGCCAGGGAGAGACGTCAGGAGGAA-3'
Protein context (NP_003671.1, residues 382-402): PDADSLYVEK[Ile392Thr]DVGEAEPRTV